The following is an entry in ClinVar:

NM_000815.5(GABRD):c.1252C>T (p.Arg418Trp)

Gene: GABRD (gamma-aminobutyric acid type A receptor subunit delta; plus strand). Cytogenetic location: 1p36.33.
Variant type: single nucleotide variant.
Coding change: c.1252C>T on transcript NM_000815.5 (MANE Select); coding-DNA position 1252, C replaced by T.
Protein change: p.Arg418Trp; replaces arginine 418 with tryptophan.
Molecular consequence: missense variant.
Genome position (GRCh38, 1-based): chr1:2,030,175, C>T. VCF-style: chr1-2030175-C-T. GRCh37 (hg19) VCF-style: chr1-1961614-C-T.
Other names: short protein forms R418W.
Identifiers: ClinVar variation 565597 (VCV000565597.14), dbSNP rs200019257, ClinGen allele CA534958.
Genomic context (GRCh38, chr1:2,030,175, plus strand): 5'-ACAGGGGAGACGAAGAAGGAGGGGGCAGCCCGCTCAGGAGGCCAGGGGGGCATCCGTGCC[C>T]GGCTCAGGCCCATCGACGCAGACACCATTGACATTTACGCCCGCGCTGTGTTCCCTGCGG-3'
Protein context (NP_000806.2, residues 408-428): RSGGQGGIRA[Arg418Trp]LRPIDADTID

ClinVar aggregate classification (germline): Conflicting classifications of pathogenicity. Review status: criteria provided, conflicting classifications (1 of 4 stars). 3 submissions from 3 submitters: Uncertain significance (2); Likely benign (1). Last evaluated 2026-01-13.

Conditions:
Idiopathic generalized epilepsy. Also called: Generalised epilepsy; EIG. Identifiers: MedGen C0270850, MONDO:0005579, OMIM 600669.

Allele frequency attached by ClinVar (database versions not stated): gnomAD 0.00010 and 0.00011; gnomAD exomes 0.00016 and 0.00013; ExAC 0.00008; ESP Exome Variant Server 0.00008; TOPMed 0.00015; 1000 Genomes Project 30x 0.00016; 1000 Genomes Project 0.00020.
gnomAD v4.1: 249 of 1,569,666 alleles (0.016%); highest among the groups gnomAD compares: Middle Eastern, 0.085%; no homozygotes.

Submissions (3):

Labcorp Genetics (formerly Invitae), Labcorp
Classification: Likely benign for Idiopathic generalized epilepsy. Last evaluated: 2026-01-13. Review status: criteria provided, single submitter. Criteria: Invitae Variant Classification Sherloc (09022015). Collection method: clinical testing. Allele origin: germline.

Women's Health and Genetics/Laboratory Corporation of America, LabCorp
Classification: Uncertain significance. Last evaluated: 2024-05-28. Review status: criteria provided, single submitter. Criteria: LabCorp Variant Classification Summary - May 2015. Collection method: clinical testing. Allele origin: germline.
Comment: Variant summary: GABRD c.1252C>T (p.Arg418Trp) results in a non-conservative amino acid change in the encoded protein sequence. Three of five in-silico tools predict a benign effect of the variant on protein function. The variant allele was found at a frequency of 0.00013 in 218094 control chromosomes. This frequency is not significantly higher than estimated for a pathogenic variant in GABRD causing GABRD-Related Disorders, however, the frequency suggests that the variant could be benign. To our knowledge, no occurrence of c.1252C>T in individuals affected with GABRD-Related Disorders and no experimental evidence demonstrating its impact on protein function have been reported. ClinVar contains an entry for this variant (Variation ID: 565597). Based on the evidence outlined above, the variant was classified as VUS-possibly benign.

Laboratorio de Genetica e Diagnostico Molecular, Hospital Israelita Albert Einstein
Classification: Uncertain significance. Last evaluated: 2020-02-13. Review status: criteria provided, single submitter. Criteria: ACMG Guidelines, 2015. Collection method: clinical testing. Allele origin: germline. Affected: yes.
Comment: ACMG classification criteria: PM2